The following is an entry in ClinVar:

NM_006147.4(IRF6):c.1369_1372del (p.Ser457fs)

Gene: IRF6 (interferon regulatory factor 6; minus strand). Cytogenetic location: 1q32.2.
Variant type: Deletion.
Coding change: c.1369_1372del on transcript NM_006147.4 (MANE Select); coding-DNA positions 1369 to 1372, 4 bases deleted (AGCA; older notation c.1369_1372delAGCA).
Protein change: p.Ser457fs; shifts the reading frame from serine 457.
Molecular consequence: frameshift variant.
Genome position (GRCh38, 1-based): chr1:209,788,452-209,788,455, TGCT deleted on the plus strand (AGCA on the coding strand, the reverse complement: IRF6 is on the minus strand). VCF-style (leftmost placement, unchanged base first): chr1-209788451-ATGCT-A. GRCh37 (hg19) VCF-style: chr1-209961796-ATGCT-A.
Other names: c.1084_1087del, p.Ser362fs (NM_001206696.2); short protein forms S362fs, S457fs.
Identifiers: ClinVar variation 3345855 (VCV003345855.1).

ClinVar aggregate classification (germline): Likely pathogenic (0 of 4 stars; one submission).

Conditions:
IRF6-related condition. Also called: IRF6-related disorder; IRF6-Related Disorders. Identifiers: MedGen CN378148, MONDO:1040010.

Submission:

PreventionGenetics, part of Exact Sciences
Classification: Likely pathogenic for IRF6-related condition. Last evaluated: 2024-09-27. Review status: no assertion criteria provided. Collection method: clinical testing. Allele origin: germline.
Comment: The IRF6 c.1369_1372delAGCA variant is predicted to result in a frameshift and premature protein termination (p.Ser457Cysfs*33). To our knowledge, this variant has not been reported in the literature or in a large population database, indicating this variant is rare. Frameshift variants in IRF6 are expected to be pathogenic. This variant is interpreted as likely pathogenic.